The following is an entry in ClinVar:

ClinVar aggregate classification (germline): Uncertain significance (1 of 4 stars; one submission).

Submission:

Mayo Clinic Laboratories, Mayo Clinic
Classification: Uncertain significance. Last evaluated: 2025-02-01. Review status: criteria provided, single submitter. Criteria: ACMG Guidelines, 2015. Collection method: clinical testing. Allele origin: germline. Observed: 1 variant allele.
Comment: PP3, PM2_supporting

NM_002047.4(GARS1):c.1532A>T (p.Asp511Val)

Gene: GARS1 (glycyl-tRNA synthetase 1; plus strand). Cytogenetic location: 7p14.3.
Variant type: single nucleotide variant.
Coding change: c.1532A>T on transcript NM_002047.4 (MANE Select); coding-DNA position 1532, A replaced by T.
Protein change: p.Asp511Val; replaces aspartic acid 511 with valine.
Molecular consequence: missense variant.
Genome position (GRCh38, 1-based): chr7:30,622,381, A>T. VCF-style: chr7-30622381-A-T. GRCh37 (hg19) VCF-style: chr7-30661997-A-T.
Other names: p.Asp511Val; c.1370A>T, p.Asp457Val (NM_001316772.1); short protein forms D457V, D511V.
Identifiers: ClinVar variation 4541271 (VCV004541271.1).